The following is an entry in ClinVar:

ClinVar aggregate classification (germline): Uncertain significance (1 of 4 stars; one submission).

gnomAD v4.1: 1 of 1,552,560 alleles (0.000064%); highest among the groups gnomAD compares: Non-Finnish European, 0.000087%; no homozygotes.

Submission:

Labcorp Genetics (formerly Invitae), Labcorp
Classification: Uncertain significance. Last evaluated: 2026-01-01. Review status: criteria provided, single submitter. Criteria: Invitae Variant Classification Sherloc (09022015). Collection method: clinical testing. Allele origin: germline.
Comment: This sequence change replaces proline, which is neutral and non-polar, with serine, which is neutral and polar, at codon 1906 of the RAI1 protein (p.Pro1906Ser). This variant is not present in population databases (gnomAD no frequency). This variant has not been reported in the literature in individuals affected with RAI1-related conditions. An algorithm developed to predict the effect of missense changes on protein structure and function (PolyPhen-2) suggests that this variant is likely to be disruptive. In summary, the available evidence is currently insufficient to determine the role of this variant in disease. Therefore, it has been classified as a Variant of Uncertain Significance.

NM_030665.4(RAI1):c.5716C>T (p.Pro1906Ser)

Gene: RAI1 (retinoic acid induced 1; plus strand). Cytogenetic location: 17p11.2.
Variant type: single nucleotide variant.
Coding change: c.5716C>T on transcript NM_030665.4 (MANE Select); coding-DNA position 5716, C replaced by T.
Protein change: p.Pro1906Ser; replaces proline 1906 with serine.
Molecular consequence: missense variant.
Genome position (GRCh38, 1-based): chr17:17,809,976, C>T. VCF-style: chr17-17809976-C-T. GRCh37 (hg19) VCF-style: chr17-17713290-C-T.
Other names: short protein forms P1906S.
Identifiers: ClinVar variation 4802957 (VCV004802957.1).